The following is an entry in ClinVar:

ClinVar aggregate classification (germline): Conflicting classifications of pathogenicity. Review status: criteria provided, conflicting classifications (1 of 4 stars). 5 submissions from 5 submitters: Pathogenic (1); Likely pathogenic (1); Uncertain significance (3). Last evaluated 2026-09-24.

Conditions:
Retinitis pigmentosa (RP). Identifiers: Orphanet 791, MedGen C0035334, MeSH D012174, MONDO:0019200, OMIM 268000. Inheritance: Autosomal dominant, autosomal recessive and X linked inheritance.
IMPDH1-related disorder. Also called: IMPDH1-related condition; IMPDH1-related disorders.

Allele frequency attached by ClinVar (database versions not stated): TOPMed 0.00001; gnomAD 0.00002; 1000 Genomes Project 30x 0.00016.
gnomAD v4.1: 17 of 1,523,126 alleles (0.0011%); highest among the groups gnomAD compares: Admixed American, 0.0041%; no homozygotes.

Submissions (5):

PreventionGenetics, part of Exact Sciences
Classification: Uncertain significance for IMPDH1-related condition. Last evaluated: 2026-09-24. Review status: criteria provided, single submitter. Criteria: ACMG Guidelines, 2015. Collection method: clinical testing. Allele origin: germline.
Comment: The IMPDH1 c.255-2A>G variant is predicted to disrupt the AG splice acceptor site and interfere with normal splicing. This variant was reported in an individual with retinitis pigmentosa (Weisschuh et al. 2020. PubMed ID: 32531858). This variant has not been reported in a large population database (gnomAD), indicating this variant is rare. Loss of function is not an established mechanism of IMPDH1-related disease. At this time, the clinical significance of this variant is uncertain due to the absence of conclusive functional and genetic evidence.

CeGaT Center for Human Genetics Tuebingen
Classification: Uncertain significance. Last evaluated: 2026-04-01. Review status: criteria provided, single submitter. Criteria: CeGaT Center For Human Genetics Tuebingen Variant Classification Criteria Version 2. Collection method: clinical testing. Allele origin: germline. Affected: yes. Observed: 1 variant allele.
Comment: IMPDH1: PS4:Supporting

Blueprint Genetics
Classification: Uncertain significance. Last evaluated: 2024-06-10. Review status: criteria provided, single submitter. Criteria: ACMG Guidelines, 2015. Collection method: clinical testing. Allele origin: germline.

Labcorp Genetics (formerly Invitae), Labcorp
Classification: Likely pathogenic. Last evaluated: 2023-04-24. Review status: criteria provided, single submitter. Criteria: Invitae Variant Classification Sherloc (09022015). Collection method: clinical testing. Allele origin: germline.
Comment: In summary, the currently available evidence indicates that the variant is pathogenic, but additional data are needed to prove that conclusively. Therefore, this variant has been classified as Likely Pathogenic. ClinVar contains an entry for this variant (Variation ID: 813047). This variant has not been observed in the literature in individuals with autosomal recessive IMPDH1-related conditions. This variant has been reported in individual(s) with autosomal dominant retinitis pigmentosa (PMID: 32531858); however, the role of the variant in this condition is currently unclear. This variant is not present in population databases (gnomAD no frequency). This sequence change affects an acceptor splice site in intron 3 of the IMPDH1 gene. It is expected to disrupt RNA splicing. Variants that disrupt the donor or acceptor splice site typically lead to a loss of protein function (PMID: 16199547), and loss-of-function variants in IMPDH1 are known to be pathogenic (PMID: 14981049, 33090715).

Molecular Genetics Laboratory, Institute for Ophthalmic Research
Classification: Pathogenic for Retinitis pigmentosa. Last evaluated: 2020-01-09. Review status: criteria provided, single submitter. Criteria: ACMG Guidelines, 2015. Collection method: research. Allele origin: germline. Affected: yes.

Literature cited by the submitters: PubMed 32531858 (cited by Labcorp Genetics (formerly Invitae), Labcorp); PubMed 16199547 (cited by Labcorp Genetics (formerly Invitae), Labcorp); PubMed 14981049 (cited by Labcorp Genetics (formerly Invitae), Labcorp); PubMed 33090715 (cited by Labcorp Genetics (formerly Invitae), Labcorp).

NM_000883.4(IMPDH1):c.255-2A>G

Gene: IMPDH1 (inosine monophosphate dehydrogenase 1; minus strand). Cytogenetic location: 7q32.1.
Variant type: single nucleotide variant.
Coding change: c.255-2A>G on transcript NM_000883.4 (MANE Select); the canonical splice acceptor site of the intron before coding-DNA position 255, A replaced by G.
Molecular consequence: splice acceptor variant. On other transcripts: 5 prime UTR variant (3), intron variant (2).
Genome position (GRCh38, 1-based): chr7:128,405,867, T>C on the plus strand (A>G on the coding strand, the complement: IMPDH1 is on the minus strand). VCF-style: chr7-128405867-T-C. GRCh37 (hg19) VCF-style: chr7-128045921-T-C.
Other names: c.-3A>G (NM_001142573.2, NM_001142574.2, NM_001142575.2); c.147-2113A>G (NM_001304521.2); c.147-2A>G (NM_183243.3); c.225-2A>G (NM_001102605.2); c.255-2113A>G (NM_001142576.2); c.255-2A>G (NM_000883.3).
Identifiers: ClinVar variation 813047 (VCV000813047.12), dbSNP rs1238921380, ClinGen allele CA369178796.